The following is an entry in ClinVar:

NM_002474.3(MYH11):c.4116+110C>T

Genes: MYH11 (myosin heavy chain 11; minus strand), NDE1 (nudE neurodevelopment protein 1; plus strand). Cytogenetic location: 16p13.11.
Variant type: single nucleotide variant.
Coding change: c.4116+110C>T on transcript NM_002474.3 (MANE Select); 110 bases into the intron after coding-DNA position 4116, C replaced by T.
Molecular consequence: intron variant. On other transcripts: 3 prime UTR variant (2).
Genome position (GRCh38, 1-based): chr16:15,724,537, G>A on the plus strand (C>T on the coding strand, the complement: MYH11 is on the minus strand). VCF-style: chr16-15724537-G-A. GRCh37 (hg19) VCF-style: chr16-15818394-G-A.
Other names: c.*286G>A (NM_001143979.2, NM_017668.3); c.4116+110C>T (NM_022844.3); c.4137+110C>T (NM_001040114.2, NM_001040113.2).
Identifiers: ClinVar variation 318120 (VCV000318120.35), dbSNP rs558625464, ClinGen allele CA10647933.

ClinVar aggregate classification (germline): Conflicting classifications of pathogenicity. Review status: criteria provided, conflicting classifications (1 of 4 stars). 3 submissions from 3 submitters: Uncertain significance (2); Likely benign (1). Last evaluated 2023-06-01.

Conditions:
Lissencephaly 4 (LIS4). Also called: Lissencephaly 4 (with microcephaly). Identifiers: Orphanet 1083, MedGen C3151461, MONDO:0013527, OMIM 614019.

Allele frequency attached by ClinVar (database versions not stated): 1000 Genomes Project 0.00080; 1000 Genomes Project 30x 0.00094; TOPMed 0.00284; gnomAD 0.00307 and 0.00322.
gnomAD v4.1: 6,120 of 1,606,582 alleles (0.38%); highest among the groups gnomAD compares: Non-Finnish European, 0.46%; 12 homozygotes.

Submissions (3):

CeGaT Center for Human Genetics Tuebingen
Classification: Likely benign. Last evaluated: 2023-06-01. Review status: criteria provided, single submitter. Criteria: CeGaT Center For Human Genetics Tuebingen Variant Classification Criteria Version 2. Collection method: clinical testing. Allele origin: germline. Affected: yes. Observed: 6 variant alleles.
Comment: MYH11: BS2

Illumina Laboratory Services, Illumina
Classification: Uncertain significance for Lissencephaly 4. Last evaluated: 2018-01-12. Review status: criteria provided, single submitter. Criteria: ICSL Variant Classification Criteria 13 December 2019. Collection method: clinical testing. Allele origin: germline.

Breakthrough Genomics
Classification: Uncertain significance. Review status: criteria provided, single submitter. Criteria: ACMG Guidelines, 2015. Collection method: not provided. Allele origin: germline. Inheritance: Autosomal recessive inheritance. Affected: yes.